The following is an entry in ClinVar:

ClinVar aggregate classification (germline): Benign (1 of 4 stars; one submission).

Conditions:
Diaphanospondylodysostosis. Also called: VERTEBRAL OSSIFICATION, DEFECT IN, WITH NEPHROGENIC RESTS. Identifiers: Orphanet 66637, MedGen C1842691, MONDO:0011946, OMIM 608022.

Allele frequency attached by ClinVar (database versions not stated): 1000 Genomes Project 0.08606; gnomAD 0.08822 and 0.09316; 1000 Genomes Project 30x 0.09291; TOPMed 0.09691.

Submission:

Illumina Laboratory Services, Illumina
Classification: Benign for Diaphanospondylodysostosis. Last evaluated: 2018-01-13. Review status: criteria provided, single submitter. Criteria: ICSL Variant Classification Criteria 13 December 2019. Collection method: clinical testing. Allele origin: germline.
Comment: This variant was observed in the ICSL laboratory as part of a predisposition screen in an ostensibly healthy population. It had not been previously curated by ICSL or reported in the Human Gene Mutation Database (HGMD: prior to June 1st, 2018), and was therefore a candidate for classification through an automated scoring system. Utilizing variant allele frequency, disease prevalence and penetrance estimates, and inheritance mode, an automated score was calculated to assess if this variant is too frequent to cause the disease. Based on the score and internal cut-off values, a variant classified as benign is not then subjected to further curation. The score for this variant resulted in a classification of benign for this disease.

NM_001365308.1(BMPER):c.*1262C>T

Gene: BMPER (BMP binding endothelial regulator; plus strand). Cytogenetic location: 7p14.3.
Variant type: single nucleotide variant.
Coding change: c.*1262C>T on transcript NM_001365308.1 (MANE Select); 1262 bases downstream of the stop codon, C replaced by T.
Molecular consequence: 3 prime UTR variant.
Genome position (GRCh38, 1-based): chr7:34,154,535, C>T. VCF-style: chr7-34154535-C-T. GRCh37 (hg19) VCF-style: chr7-34194147-C-T.
Other names: c.*1262C>T (NM_133468.5).
Identifiers: ClinVar variation 360139 (VCV000360139.5), dbSNP rs60064022, ClinGen allele CA10623933.